The following is an entry in ClinVar:

NM_015425.6(POLR1A):c.4682G>A (p.Arg1561Gln)

Gene: POLR1A (RNA polymerase I subunit A; minus strand). Cytogenetic location: 2p11.2.
Variant type: single nucleotide variant.
Coding change: c.4682G>A on transcript NM_015425.6 (MANE Select); coding-DNA position 4682, G replaced by A.
Protein change: p.Arg1561Gln; replaces arginine 1561 with glutamine.
Molecular consequence: missense variant.
Genome position (GRCh38, 1-based): chr2:86,030,293, C>T on the plus strand (G>A on the coding strand, the complement: POLR1A is on the minus strand). VCF-style: chr2-86030293-C-T. GRCh37 (hg19) VCF-style: chr2-86257416-C-T.
Other names: short protein forms R1561Q.
Identifiers: ClinVar variation 1931585 (VCV001931585.5), dbSNP rs373061040, ClinGen allele CA1745426.

ClinVar aggregate classification (germline): Uncertain significance (1 of 4 stars; one submission).

Allele frequency attached by ClinVar (database versions not stated): gnomAD exomes 0.00001; ExAC 0.00002; TOPMed 0.00004; gnomAD 0.00005; ESP Exome Variant Server 0.00008.
gnomAD v4.1: 28 of 1,613,930 alleles (0.0017%); highest among the groups gnomAD compares: Admixed American, 0.012%; no homozygotes.

Submission:

Labcorp Genetics (formerly Invitae), Labcorp
Classification: Uncertain significance. Last evaluated: 2024-06-28. Review status: criteria provided, single submitter. Criteria: Invitae Variant Classification Sherloc (09022015). Collection method: clinical testing. Allele origin: germline.
Comment: This sequence change replaces arginine, which is basic and polar, with glutamine, which is neutral and polar, at codon 1561 of the POLR1A protein (p.Arg1561Gln). This variant is present in population databases (rs373061040, gnomAD 0.006%). This variant has not been reported in the literature in individuals affected with POLR1A-related conditions. ClinVar contains an entry for this variant (Variation ID: 1931585). Advanced modeling of protein sequence and biophysical properties (such as structural, functional, and spatial information, amino acid conservation, physicochemical variation, residue mobility, and thermodynamic stability) performed at Invitae indicates that this missense variant is expected to disrupt POLR1A protein function with a positive predictive value of 80%. In summary, the available evidence is currently insufficient to determine the role of this variant in disease. Therefore, it has been classified as a Variant of Uncertain Significance.